The following is an entry in ClinVar:

NM_000159.4(GCDH):c.553G>A (p.Gly185Arg)

Gene: GCDH (glutaryl-CoA dehydrogenase; plus strand). Cytogenetic location: 19p13.13.
Variant type: single nucleotide variant.
Coding change: c.553G>A on transcript NM_000159.4 (MANE Select); coding-DNA position 553, G replaced by A.
Protein change: p.Gly185Arg; replaces glycine 185 with arginine.
Molecular consequence: missense variant. On other transcripts: non-coding transcript variant (2).
Genome position (GRCh38, 1-based): chr19:12,896,039, G>A. VCF-style: chr19-12896039-G-A. GRCh37 (hg19) VCF-style: chr19-13006853-G-A.
Other names: c.553G>A, p.Gly185Arg (NM_013976.5); c.553G>A (NM_000159.2); short protein forms G185R.
Identifiers: ClinVar variation 661521 (VCV000661521.19), dbSNP rs576948027, ClinGen allele CA9234429.

ClinVar aggregate classification (germline): Pathogenic/Likely pathogenic. Review status: criteria provided, multiple submitters, no conflicts (2 of 4 stars). 8 submissions from 8 submitters: Pathogenic (5); Likely pathogenic (2). 1 of the submissions does not count toward it. Last evaluated 2025-08-12.

Conditions:
GCDH-related disorder. Also called: GCDH-related condition.
Glutaric aciduria, type 1. Also called: Glutaric Acidemia Type 1; GA I; Glutaricacidemia Type 1; Glutaric acidemia type I; Glutaricaciduria, type I; Glutaryl-CoA dehydrogenase deficiency. Identifiers: Orphanet 25, MedGen C0268595, MONDO:0009281, OMIM 231670.

Allele frequency attached by ClinVar (database versions not stated): gnomAD 0.00002; gnomAD exomes 0.00002; TOPMed 0.00003; ExAC 0.00004.
gnomAD v4.1: 19 of 1,613,932 alleles (0.0012%); highest among the groups gnomAD compares: Admixed American, 0.0017%; no homozygotes.

Submissions (8):

Labcorp Genetics (formerly Invitae), Labcorp
Classification: Pathogenic for Glutaric aciduria, type 1. Last evaluated: 2025-08-12. Review status: criteria provided, single submitter. Criteria: Invitae Variant Classification Sherloc (09022015). Collection method: clinical testing. Allele origin: germline.
Comment: This sequence change replaces glycine, which is neutral and non-polar, with arginine, which is basic and polar, at codon 185 of the GCDH protein (p.Gly185Arg). This variant is present in population databases (rs576948027, gnomAD 0.003%). This missense change has been observed in individual(s) with glutaric acidemia type 1 (PMID: 24332224, 29292490, 29665094; internal data). ClinVar contains an entry for this variant (Variation ID: 661521). Invitae Evidence Modeling of protein sequence and biophysical properties (such as structural, functional, and spatial information, amino acid conservation, physicochemical variation, residue mobility, and thermodynamic stability) indicates that this missense variant is expected to disrupt GCDH protein function with a positive predictive value of 80%. This variant disrupts the p.Gly185 amino acid residue in GCDH. Other variant(s) that disrupt this residue have been observed in individuals with GCDH-related conditions (PMID: 28438223), which suggests that this may be a clinically significant amino acid residue. For these reasons, this variant has been classified as Pathogenic.

Women's Health and Genetics/Laboratory Corporation of America, LabCorp
Classification: Pathogenic for Glutaric aciduria, type 1. Last evaluated: 2024-09-09. Review status: criteria provided, single submitter. Criteria: LabCorp Variant Classification Summary - May 2015. Collection method: clinical testing. Allele origin: germline.
Comment: Variant summary: GCDH c.553G>A (p.Gly185Arg) results in a non-conservative amino acid change located in the Acyl-CoA oxidase/dehydrogenase, middle domain of the encoded protein sequence. Five of five in-silico tools predict a damaging effect of the variant on protein function. The variant allele was found at a frequency of 2e-05 in 251422 control chromosomes. c.553G>A has been reported in the literature in individuals affected with Glutaric Acidemia Type 1 (examples: Klavuz_2021,Stepien_2018,Wang_2014). A different variant affecting this codon has been classified Pathogenic in ClinVar (c.554G>A (p.Gly185Glu) ). These data indicate that the variant is likely to be associated with disease. The following publications have been ascertained in the context of this evaluation (PMID: 33578440, 29292490, 24332224). ClinVar contains an entry for this variant (Variation ID: 661521). Based on the evidence outlined above, the variant was classified as pathogenic.

Natera, Inc.
Classification: Likely pathogenic for Glutaric acidemia type 1. Last evaluated: 2024-06-25. Review status: criteria provided, single submitter. Criteria: Natera Variant Classification Schema (03/2026). Collection method: clinical testing. Allele origin: germline.
Comment: The c.553G>A variant in GCDH is a missense variant predicted to cause substitution of glycine to arginine at amino acid 185. This variant is rare in the general population with a frequency below the threshold expected for the associated phenotype(s). This variant has been observed in one or more individuals affected with the associated recessive disease, as either homozygous or compound heterozygous with a second variant (PMID: 33578440, 32777384, 24332224). A different variant at the same position has been determined to be Pathogenic or Likely Pathogenic. Computational prediction algorithms indicate this variant is likely to affect gene or protein function. Given the available evidence, this variant is classified as Likely Pathogenic.

Fulgent Genetics
Classification: Pathogenic for Glutaric aciduria, type 1. Last evaluated: 2024-02-28. Review status: criteria provided, single submitter. Criteria: ACMG Guidelines, 2015. Collection method: clinical testing. Allele origin: germline.

Baylor Genetics
Classification: Pathogenic for Glutaric aciduria, type 1. Last evaluated: 2023-11-30. Review status: criteria provided, single submitter. Criteria: ACMG Guidelines, 2015. Collection method: clinical testing. Allele origin: unknown.

GeneDx
Classification: Likely pathogenic. Last evaluated: 2023-11-22. Review status: criteria provided, single submitter. Criteria: GeneDx Variant Classification Process June 2021. Collection method: clinical testing. Allele origin: germline. Affected: yes.
Comment: Not observed at a significant frequency in large population cohorts (gnomAD); In silico analysis supports that this missense variant has a deleterious effect on protein structure/function; This variant is associated with the following publications: (PMID: 29292490, 29665094, 24332224, 32777384, 33578440)

Blueprint Genetics
Classification: Pathogenic for GCDH-related disorders. Last evaluated: 2019-09-09. Review status: criteria provided, single submitter. Criteria: ACMG Guidelines, 2015. Collection method: clinical testing. Allele origin: germline. Affected: yes. Observed: 2 variant alleles.

PreventionGenetics, part of Exact Sciences
Classification: Pathogenic for GCDH-related condition. Last evaluated: 2024-02-14. Review status: no assertion criteria provided. Collection method: clinical testing. Allele origin: germline. Not counted in ClinVar's aggregate classification.
Comment: The GCDH c.553G>A variant is predicted to result in the amino acid substitution p.Gly185Arg. This variant has been reported in the homozygous state in multiple patients diagnosed with glutaric aciduria type I (GA1), with at least two reported to be high excreters of glutaric acid (Patient 30 in Supplemental Table 2, Boy et al. 2018. PubMed ID: 29665094; ). This variant variant has also been reported in the compound heterozygous state with a common pathogenic variant in a patient with enzymatically confirmed GA1 (Stepien et al. 2018. PubMed ID: 29292490) and in another patient with biochemical test results consistent with GA1 (Wang et al. 2014. PubMed ID: 24332224). Different substitutions at the same amino acid (p.Gly185Ala, p.Gly185Glu) have also been reported in association with glutaric academia type I (Boy et al. 2017. PubMed ID: 28438223; Huishu E et al. 2021. PubMed ID: 34306040). We have observed this variant internally in the heterozygous state in multiple individuals; no second plausible causative variant was identified in those patients. This variant is reported in 0.0033% of alleles in individuals of South Asian descent in gnomAD. This variant is interpreted as pathogenic.

Literature cited by the submitters: PubMed 24332224 (cited by 3 submitters); PubMed 29292490 (cited by Labcorp Genetics (formerly Invitae), Labcorp and Women's Health and Genetics/Laboratory Corporation of America, LabCorp); PubMed 29665094 (cited by Labcorp Genetics (formerly Invitae), Labcorp); PubMed 28438223 (cited by Labcorp Genetics (formerly Invitae), Labcorp); PubMed 33578440 (cited by Women's Health and Genetics/Laboratory Corporation of America, LabCorp and Natera, Inc.); PubMed 32777384 (cited by Natera, Inc.).